The following is an entry in ClinVar:

ClinVar aggregate classification (germline): Likely benign. Review status: criteria provided, single submitter (1 of 4 stars). 2 submissions from 2 submitters: Likely benign (1). 1 of the submissions does not count toward it. Last evaluated 2026-01-24.

Conditions:
PKD2-related disorder. Also called: PKD2-related condition.
Autosomal dominant polycystic kidney disease. Identifiers: Orphanet 730, MedGen C0085413, MONDO:0004691.

Allele frequency attached by ClinVar (database versions not stated): gnomAD 0.00002; gnomAD exomes 0.00005; TOPMed 0.00005; ESP Exome Variant Server 0.00008.
gnomAD v4.1: 75 of 1,613,884 alleles (0.0046%); highest among the groups gnomAD compares: Admixed American, 0.0083%; 1 homozygote.

Submissions (2):

Labcorp Genetics (formerly Invitae), Labcorp
Classification: Likely benign for Autosomal dominant polycystic kidney disease. Last evaluated: 2026-01-24. Review status: criteria provided, single submitter. Criteria: Invitae Variant Classification Sherloc (09022015). Collection method: clinical testing. Allele origin: germline.

PreventionGenetics, part of Exact Sciences
Classification: Likely benign for PKD2-related condition. Last evaluated: 2020-12-22. Review status: no assertion criteria provided. Collection method: clinical testing. Allele origin: germline. Not counted in ClinVar's aggregate classification.
Comment: This variant is classified as likely benign based on ACMG/AMP sequence variant interpretation guidelines (Richards et al. 2015 PMID: 25741868, with internal and published modifications).

NM_000297.4(PKD2):c.2586C>T (p.Ala862=)

Gene: PKD2 (polycystin 2, transient receptor potential cation channel; plus strand). Cytogenetic location: 4q22.1.
Variant type: single nucleotide variant.
Coding change: c.2586C>T on transcript NM_000297.4 (MANE Select); coding-DNA position 2586, C replaced by T.
Protein change: p.Ala862=; no amino-acid change (alanine 862 retained).
Molecular consequence: synonymous variant. On other transcripts: non-coding transcript variant (1).
Genome position (GRCh38, 1-based): chr4:88,074,875, C>T. VCF-style: chr4-88074875-C-T. GRCh37 (hg19) VCF-style: chr4-88996027-C-T.
Identifiers: ClinVar variation 255793 (VCV000255793.8), dbSNP rs373043298, ClinGen allele CA3004299.
Genomic context (GRCh38, chr4:88,074,875, plus strand): 5'-GGTGAGACGAGTGGACCGGATGGAGCATTCCATCGGCAGCATAGTGTCCAAGATTGACGC[C>T]GTGATCGTGAAGCTAGAGATTATGGAGCGAGCCAAACTGAAGAGGAGGGAGGTGCTGGGA-3'
Protein context (NP_000288.1, residues 852-872): SIGSIVSKID[Ala862=]VIVKLEIMER